The following is an entry in ClinVar:

NM_000108.5(DLD):c.185A>G (p.Gln62Arg)

Gene: DLD (dihydrolipoamide dehydrogenase; plus strand). Cytogenetic location: 7q31.1.
Variant type: single nucleotide variant.
Coding change: c.185A>G on transcript NM_000108.5 (MANE Select); coding-DNA position 185, A replaced by G.
Protein change: p.Gln62Arg; replaces glutamine 62 with arginine.
Molecular consequence: missense variant. On other transcripts: intron variant (1).
Genome position (GRCh38, 1-based): chr7:107,901,804, A>G. VCF-style: chr7-107901804-A-G. GRCh37 (hg19) VCF-style: chr7-107542249-A-G.
Other names: p.Q62R:CAG>CGG; c.185A>G, p.Gln62Arg (NM_001289751.1, NM_001289752.1); c.-30-1674A>G (NM_001289750.1); short protein forms Q62R.
Identifiers: ClinVar variation 203675 (VCV000203675.2), dbSNP rs796051948, ClinGen allele CA312453.
Genomic context (GRCh38, chr7:107,901,804, plus strand): 5'-CTGATGTAACAGTTATAGGTTCTGGTCCTGGAGGATATGTTGCTGCTATTAAAGCTGCCC[A>G]GTTAGGCTTCAAGGTAAGGTTTGAACTCAAACTAAGTATTGATTTATTTTAATTTGGGAA-3'
Protein context (NP_000099.2, residues 52-72): GGYVAAIKAA[Gln62Arg]LGFKTVCIEK

ClinVar aggregate classification (germline): Likely pathogenic (1 of 4 stars; one submission).

Submission:

GeneDx
Classification: Likely pathogenic. Last evaluated: 2013-10-14. Review status: criteria provided, single submitter. Criteria: GeneDx Variant Classification (06012015). Collection method: clinical testing. Allele origin: germline. Affected: yes.
Comment: p.Gln62Arg (CAG>CGG): c.185 A>G in exon 3 of the DLD gene (NM_000108.3) A Q62R missense change that is likely pathogenic was identified in the DLD gene. It has not been published as a mutation, nor has it been reported as a benign polymorphism to our knowledge. The amino acid change is non-conservative as an uncharged Glutamine residue is replaced by a positively charged Arginine residue. This change occurs at a highly conserved position in the DLD protein, and multiple in-silico analysis programs predict that Q62R is damaging to the DLD protein. Therefore, Q62R is a strong candidate for a disease-causing mutation, however the possibility that it is a benign variant cannot be excluded. The variant is found in LAPDH-MITOP panel(s).